The following is an entry in ClinVar:

NM_000038.6(APC):c.8320A>G (p.Ser2774Gly)

Gene: APC (APC regulator of Wnt signaling pathway; plus strand). Cytogenetic location: 5q22.2.
Variant type: single nucleotide variant.
Coding change: c.8320A>G on transcript NM_000038.6 (MANE Select); coding-DNA position 8320, A replaced by G.
Protein change: p.Ser2774Gly; replaces serine 2774 with glycine.
Molecular consequence: missense variant. On other transcripts: non-coding transcript variant (2).
Genome position (GRCh38, 1-based): chr5:112,843,914, A>G. VCF-style: chr5-112843914-A-G. GRCh37 (hg19) VCF-style: chr5-112179611-A-G.
Other names: c.8320A>G, p.Ser2774Gly (NM_001354895.2, NM_001127510.3, NM_001407450.1); c.8350A>G, p.Ser2784Gly (NM_001354897.2); c.8245A>G, p.Ser2749Gly (NM_001354898.2); c.8266A>G, p.Ser2756Gly (NM_001127511.3); c.8374A>G, p.Ser2792Gly (NM_001354896.2, NM_001407447.1, NM_001407448.1 and 1 more transcripts); c.8236A>G, p.Ser2746Gly (NM_001354899.2); c.8197A>G, p.Ser2733Gly (NM_001354900.2); c.8143A>G, p.Ser2715Gly (NM_001354901.2, NM_001407453.1); and 11 more; short protein forms S2491G, S2645G, S2715G, S2749G, S2767G, S2774G, S2792G, S2390G.
Identifiers: ClinVar variation 2452769 (VCV002452769.3), dbSNP rs2150003166, ClinGen allele CA16039386.

ClinVar aggregate classification (germline): Uncertain significance. Review status: criteria provided, multiple submitters, no conflicts (2 of 4 stars). 2 submissions from 2 submitters: Uncertain significance (2). Last evaluated 2024-08-21.

Conditions:
Hereditary cancer-predisposing syndrome. Also called: Neoplastic Syndromes, Hereditary; Tumor predisposition; Hereditary neoplastic syndrome; Hereditary Cancer Syndrome. Identifiers: Orphanet 140162, MedGen C0027672, MeSH D009386, MONDO:0015356.
Classic or attenuated familial adenomatous polyposis. Identifiers: MedGen CN372698, MONDO:0021057.

Submissions (2):

Department of Pathology and Laboratory Medicine, Sinai Health System
Classification: Uncertain significance for classic or attenuated familial adenomatous polyposis. Last evaluated: 2024-08-21. Review status: criteria provided, single submitter. Criteria: ACMG Guidelines, 2015. Collection method: clinical testing. Allele origin: germline.

Ambry Genetics
Classification: Uncertain significance for Hereditary cancer-predisposing syndrome. Last evaluated: 2023-03-11. Review status: criteria provided, single submitter. Criteria: Ambry Variant Classification Scheme 2023. Collection method: clinical testing. Allele origin: germline.
Comment: The p.S2774G variant (also known as c.8320A>G), located in coding exon 15 of the APC gene, results from an A to G substitution at nucleotide position 8320. The serine at codon 2774 is replaced by glycine, an amino acid with similar properties. This amino acid position is conserved. In addition, in silico predictors for this gene do not accurately predict pathogenicity. Since supporting evidence is limited at this time, the clinical significance of this alteration remains unclear.